The following continues an entry in ClinVar:

NM_000059.4(BRCA2):c.7806-2A>G

Gene: BRCA2. ClinVar aggregate classification (germline): Pathogenic. Pathogenic (1).

Submissions 22 to 25 of 25:

Breast Cancer Information Core (BIC) (BRCA2)
Classification: Pathogenic for Breast-ovarian cancer, familial 2. Last evaluated: 2002-05-29. Review status: no assertion criteria provided. Collection method: clinical testing. Allele origin: germline. Affected: yes. Observed: 5 variant alleles. Not counted in ClinVar's aggregate classification.

Department of Pathology and Laboratory Medicine, Sinai Health System
Classification: Pathogenic for Breast-ovarian cancer, familial, susceptibility to, 2. Review status: no assertion criteria provided. Collection method: clinical testing. Allele origin: unknown. Affected: yes. Observed: 1 variant allele. Study: The Canadian Open Genetics Repository (COGR). Not counted in ClinVar's aggregate classification.
Comment: The c.7806-2A>G variant was identified in 14 of 872 proband chromosomes (frequency: 0.016) from individuals or families with hereditary breast or ovarian cancer (Santarosa 1999, Novakovic 2012). The variant was also identified in dbSNP (ID: rs81002836) â€šÃ„ÃºWith likely pathogenic alleleâ€šÃ„Ã¹, HGMD, the ClinVar database (classified as a Pathogenic/Likely pathogenic variant by the Sharing Clinical Reports Project, derived from Myriad reports), GeneInsight through the Canadian Open Genetics Repository (1X, classified as â€šÃ„Ãºpathogenicâ€šÃ„Ã¹ by a clinical laboratory), the BIC database (5X with â€šÃ„Ãºpendingâ€šÃ„Ã¹ clinical importance), and UMD (5X as a causal variant).The c.7806-2A>G variant is predicted to cause abnormal splicing because the nucleotide substitution occurs in the invariant region of the splice consensus sequence. In addition, 5 of 5 in silico or computational prediction software programs (SpliceSiteFinder, MaxEntScan, NNSPLICE, GeneSplicer, HumanSpliceFinder) predict a greater than 10% difference in splicing. Also, mini-gene splicing assays show the variant to have a severe impact on splicing (Houdayer 2012). In summary, based on the above information, this variant meets our laboratoryâ€šÃ„Ã´s criteria to be classified as pathogenic.

Genome Diagnostics Laboratory, University Medical Center Utrecht
Classification: Pathogenic. Review status: no assertion criteria provided. Collection method: clinical testing. Allele origin: germline. Affected: yes. Study: VKGL Data-share Consensus. Not counted in ClinVar's aggregate classification.

Joint Genome Diagnostic Labs from Nijmegen and Maastricht, Radboudumc and MUMC+
Classification: Pathogenic. Review status: no assertion criteria provided. Collection method: clinical testing. Allele origin: germline. Affected: yes. Study: VKGL Data-share Consensus. Not counted in ClinVar's aggregate classification.

Literature cited by the submitters: PubMed 31131967 (cited by 5 submitters); PubMed 10449599 (cited by 8 submitters); PubMed 12461697 (cited by 8 submitters); PubMed 18439106 (cited by 6 submitters); PubMed 18783588 (cited by 5 submitters); PubMed 21232165 (cited by 4 submitters); PubMed 23199084 (cited by Labcorp Genetics (formerly Invitae), Labcorp and GeneKor MSA); PubMed 16199547 (cited by GeneKor MSA); PubMed 20104584 (cited by GeneKor MSA); PubMed 15806175 (cited by Women's Health and Genetics/Laboratory Corporation of America, LabCorp); PubMed 22505045 (cited by 6 submitters); PubMed 23397983 (cited by Women's Health and Genetics/Laboratory Corporation of America, LabCorp); PubMed 22923021 (cited by Women's Health and Genetics/Laboratory Corporation of America, LabCorp and Quest Diagnostics Nichols Institute San Juan Capistrano); PubMed 17301269 (cited by Women's Health and Genetics/Laboratory Corporation of America, LabCorp); PubMed 16764716 (cited by 5 submitters); PubMed 28339459 (cited by 5 submitters); PubMed 29446198 (cited by Quest Diagnostics Nichols Institute San Juan Capistrano); PubMed 32438681 (cited by Quest Diagnostics Nichols Institute San Juan Capistrano); PubMed 34399810 (cited by Quest Diagnostics Nichols Institute San Juan Capistrano); PubMed 33891299 (cited by 4 submitters); PubMed 11802209 (cited by Quest Diagnostics Nichols Institute San Juan Capistrano and Sema4); PubMed 24312913 (cited by Quest Diagnostics Nichols Institute San Juan Capistrano); PubMed 26295337 (cited by Quest Diagnostics Nichols Institute San Juan Capistrano); PubMed 12097290 (cited by 3 submitters); PubMed 26852130 (cited by Color Diagnostics, LLC DBA Color Health and All of Us Research Program, National Institutes of Health); PubMed 29470806 (cited by 4 submitters); PubMed 30832263 (cited by 4 submitters); PubMed 29907814 (cited by Ambry Genetics).